The following is an entry in ClinVar:

NM_000397.4(CYBB):c.188A>G (p.Asn63Ser)

Gene: CYBB (cytochrome b-245 beta chain; plus strand). Cytogenetic location: Xp21.1.
Variant type: single nucleotide variant.
Coding change: c.188A>G on transcript NM_000397.4 (MANE Select); coding-DNA position 188, A replaced by G.
Protein change: p.Asn63Ser; replaces asparagine 63 with serine.
Molecular consequence: missense variant.
Genome position (GRCh38, 1-based): chrX:37,783,536, A>G. VCF-style: chrX-37783536-A-G. GRCh37 (hg19) VCF-style: chrX-37642789-A-G.
Other names: short protein forms N63S.
Identifiers: ClinVar variation 3653815 (VCV003653815.2).

ClinVar aggregate classification (germline): Uncertain significance (1 of 4 stars; one submission).

Conditions:
Granulomatous disease, chronic, X-linked. Also called: CYTOCHROME b-NEGATIVE GRANULOMATOUS DISEASE, CHRONIC, X-LINKED; GRANULOMATOUS DISEASE, CHRONIC, X-LINKED, SOMATIC MOSAIC. Identifiers: Orphanet 379, MedGen C1844376, MONDO:0010600, OMIM 306400.

Submission:

Labcorp Genetics (formerly Invitae), Labcorp
Classification: Uncertain significance for Granulomatous disease, chronic, X-linked. Last evaluated: 2024-05-22. Review status: criteria provided, single submitter. Criteria: Invitae Variant Classification Sherloc (09022015). Collection method: clinical testing. Allele origin: germline.
Comment: This sequence change replaces asparagine, which is neutral and polar, with serine, which is neutral and polar, at codon 63 of the CYBB protein (p.Asn63Ser). This variant is not present in population databases (gnomAD no frequency). This variant has not been reported in the literature in individuals affected with CYBB-related conditions. Advanced modeling of protein sequence and biophysical properties (such as structural, functional, and spatial information, amino acid conservation, physicochemical variation, residue mobility, and thermodynamic stability) has been performed at Invitae for this missense variant, however the output from this modeling did not meet the statistical confidence thresholds required to predict the impact of this variant on CYBB protein function. In summary, the available evidence is currently insufficient to determine the role of this variant in disease. Therefore, it has been classified as a Variant of Uncertain Significance.